The following is an entry in ClinVar:

NM_020745.4(AARS2):c.1708G>A (p.Gly570Ser)

Gene: AARS2 (alanyl-tRNA synthetase 2, mitochondrial; minus strand). Cytogenetic location: 6p21.1.
Variant type: single nucleotide variant.
Coding change: c.1708G>A on transcript NM_020745.4 (MANE Select); coding-DNA position 1708, G replaced by A.
Protein change: p.Gly570Ser; replaces glycine 570 with serine.
Molecular consequence: missense variant.
Genome position (GRCh38, 1-based): chr6:44,304,689, C>T on the plus strand (G>A on the coding strand, the complement: AARS2 is on the minus strand). VCF-style: chr6-44304689-C-T. GRCh37 (hg19) VCF-style: chr6-44272426-C-T.
Other names: short protein forms G570S.
Identifiers: ClinVar variation 4527405 (VCV004527405.1).

ClinVar aggregate classification (germline): Uncertain significance (1 of 4 stars; one submission).

gnomAD v4.1: 2 of 1,614,232 alleles (0.00012%); highest among the groups gnomAD compares: Non-Finnish European, 0.00017%; no homozygotes.

Submission:

GeneDx
Classification: Uncertain significance. Last evaluated: 2025-04-24. Review status: criteria provided, single submitter. Criteria: GeneDx Variant Classification Process June 2021. Collection method: clinical testing. Allele origin: germline. Affected: yes.
Comment: Not observed at significant frequency in large population cohorts (gnomAD); In silico analysis supports that this missense variant has a deleterious effect on protein structure/function; Has not been previously published as pathogenic or benign to our knowledge